The following is an entry in ClinVar:

ClinVar aggregate classification (germline): Benign/Likely benign. Review status: criteria provided, multiple submitters, no conflicts (2 of 4 stars). 12 submissions from 12 submitters: Benign (7); Likely benign (4). 1 of the submissions does not count toward it. Last evaluated 2026-09-01.

Conditions:
Zellweger spectrum disorders (ZS). Also called: Zellweger Spectrum Disorder (ZSD); Zellweger Spectrum Disorder; Zellweger Spectrum; Zellweger syndrome. Identifiers: Orphanet 912, MedGen C0043459, MONDO:0019609.
Peroxisome biogenesis disorder 4A (Zellweger) (PBD4A). Also called: Zellweger syndrome spectrum (PEX6-related). Identifiers: Orphanet 912, MedGen C3553936, MONDO:0013930, OMIM 614862. Disease mechanism: loss of function.
Peroxisome biogenesis disorder. Identifiers: Orphanet 79189, MedGen C1832200, MONDO:0019234. Disease mechanism: loss of function.

Allele frequency attached by ClinVar (database versions not stated): gnomAD exomes 0.00067 and 0.00195; ExAC 0.00238; gnomAD 0.00657 and 0.00687; TOPMed 0.00682; ESP Exome Variant Server 0.00700; 1000 Genomes Project 0.00938; 1000 Genomes Project 30x 0.01062.
gnomAD v4.1: 2,003 of 1,614,148 alleles (0.12%); highest among the groups gnomAD compares: African/African-American, 2.2%; 18 homozygotes.

Submissions (12):

CeGaT Center for Human Genetics Tuebingen
Classification: Benign. Last evaluated: 2026-09-01. Review status: criteria provided, single submitter. Criteria: CeGaT Center For Human Genetics Tuebingen Variant Classification Criteria Version 2. Collection method: clinical testing. Allele origin: germline. Affected: yes. Observed: 4 variant alleles.
Comment: PEX6: BS1, BS2

Labcorp Genetics (formerly Invitae), Labcorp
Classification: Benign for Peroxisome biogenesis disorder. Last evaluated: 2026-02-02. Review status: criteria provided, single submitter. Criteria: Invitae Variant Classification Sherloc (09022015). Collection method: clinical testing. Allele origin: germline.

Mayo Clinic Laboratories, Mayo Clinic
Classification: Likely benign. Last evaluated: 2025-08-26. Review status: criteria provided, single submitter. Criteria: ACMG Guidelines, 2015. Collection method: clinical testing. Allele origin: germline. Observed: 4 variant alleles.
Comment: BA1, BS2

Blueprint Genetics
Classification: Benign. Last evaluated: 2024-11-25. Review status: criteria provided, single submitter. Criteria: ACMG Guidelines, 2015. Collection method: clinical testing. Allele origin: germline.

GeneDx
Classification: Benign. Last evaluated: 2020-09-24. Review status: criteria provided, single submitter. Criteria: GeneDx Variant Classification Process June 2021. Collection method: clinical testing. Allele origin: germline. Affected: yes.
Comment: This variant is associated with the following publications: (PMID: 30245029, 19105186, 20981092, 22995991)

Mendelics
Classification: Benign for Peroxisome biogenesis disorder 4A (Zellweger). Last evaluated: 2019-05-28. Review status: criteria provided, single submitter. Criteria: Mendelics Assertion Criteria 2017. Collection method: clinical testing. Allele origin: unknown.

Center for Pediatric Genomic Medicine, Children's Mercy Hospital and Clinics
Classification: Likely benign. Last evaluated: 2017-08-31. Review status: criteria provided, single submitter. Criteria: ACMG Guidelines, 2015. Collection method: clinical testing. Allele origin: germline.

Illumina Laboratory Services, Illumina
Classification: Benign for Peroxisome biogenesis disorder 4A (Zellweger). Last evaluated: 2017-04-28. Review status: criteria provided, single submitter. Criteria: ICSL Variant Classification Criteria 13 December 2019. Collection method: clinical testing. Allele origin: germline.
Comment: This variant was observed as part of a predisposition screen in an ostensibly healthy population. A literature search was performed for the gene, cDNA change, and amino acid change (where applicable). Publications were found based on this search. The evidence from the literature, in combination with allele frequency data from public databases where available, was sufficient to rule this variant out of causing disease. Therefore, this variant is classified as benign.

Eurofins Ntd Llc (ga)
Classification: Benign. Last evaluated: 2016-03-18. Review status: criteria provided, single submitter. Criteria: EGL Classification Definitions 2015. Collection method: clinical testing. Allele origin: germline. Observed: 1 variant allele, 1 heterozygote.

Breakthrough Genomics
Classification: Likely benign. Review status: criteria provided, single submitter. Criteria: ACMG Guidelines, 2015. Collection method: not provided. Allele origin: germline. Inheritance: Autosomal recessive inheritance. Affected: yes.

PreventionGenetics, part of Exact Sciences
Classification: Likely benign. Review status: criteria provided, single submitter. Criteria: ACMG Guidelines, 2015. Collection method: clinical testing. Allele origin: germline.

Natera, Inc.
Classification: Benign for Zellweger syndrome. Last evaluated: 2020-01-06. Review status: no assertion criteria provided. Collection method: clinical testing. Allele origin: germline. Not counted in ClinVar's aggregate classification.

Literature cited by the submitters: PubMed 19105186 (cited by Mayo Clinic Laboratories, Mayo Clinic and Illumina Laboratory Services, Illumina).

NM_000287.4(PEX6):c.1646C>T (p.Ala549Val)

Gene: PEX6 (peroxisomal biogenesis factor 6; minus strand). Cytogenetic location: 6p21.1.
Variant type: single nucleotide variant.
Coding change: c.1646C>T on transcript NM_000287.4 (MANE Select); coding-DNA position 1646, C replaced by T.
Protein change: p.Ala549Val; replaces alanine 549 with valine.
Molecular consequence: missense variant. On other transcripts: non-coding transcript variant (1).
Genome position (GRCh38, 1-based): chr6:42,968,332, G>A on the plus strand (C>T on the coding strand, the complement: PEX6 is on the minus strand). VCF-style: chr6-42968332-G-A. GRCh37 (hg19) VCF-style: chr6-42936070-G-A.
Other names: p.Ala549Val; c.1382C>T, p.Ala461Val (NM_001316313.2); short protein forms A549V, A461V.
Identifiers: ClinVar variation 255738 (VCV000255738.52), dbSNP rs115960224, ClinGen allele CA3811273.